The following is an entry in ClinVar:

NM_001110556.2(FLNA):c.5218-4G>A

Gene: FLNA (filamin A; minus strand). Cytogenetic location: Xq28.
Variant type: single nucleotide variant.
Coding change: c.5218-4G>A on transcript NM_001110556.2 (MANE Select); 4 bases into the intron before coding-DNA position 5218, G replaced by A.
Molecular consequence: intron variant.
Genome position (GRCh38, 1-based): chrX:154,354,715, C>T on the plus strand (G>A on the coding strand, the complement: FLNA is on the minus strand). VCF-style: chrX-154354715-C-T. GRCh37 (hg19) VCF-style: chrX-153583083-C-T.
Other names: p.?; c.5194-4G>A (NM_001456.4).
Identifiers: ClinVar variation 289607 (VCV000289607.45), dbSNP rs370196495, ClinGen allele CA10560351.
Genomic context (GRCh38, chrX:154,354,715, plus strand): 5'-GGCCAGCTGCTGAGACCGTAGAGGGGGCTGCACCGAGGGCTGGTCCCCAGCCAGAGCCTG[C>T]AGGGCAAAGCAGAGAGCTGCTGGAGAGTCTGTTGTCACAGAGGGGCCCCAGGGGAACAGG-3'

ClinVar aggregate classification (germline): Conflicting classifications of pathogenicity. Review status: criteria provided, conflicting classifications (1 of 4 stars). 7 submissions from 7 submitters: Uncertain significance (1); Benign (1); Likely benign (5). Last evaluated 2026-01-13.

Conditions:
Melnick-Needles syndrome (MNS). Also called: Melnick-Needles Syndrome (FLNA-MNS); MELNICK-NEEDLES OSTEODYSPLASTY; OSTEODYSPLASTY OF MELNICK AND NEEDLES. Identifiers: Orphanet 2484, MedGen C0025237, MONDO:0010650, OMIM 309350.
Heterotopia, periventricular, X-linked dominant (PVNH1). Also called: X-linked periventricular heterotopia; PERIVENTRICULAR NODULAR HETEROTOPIA 4; HETEROTOPIA, PERIVENTRICULAR, 1; PERIVENTRICULAR NODULAR HETEROTOPIA 1. Identifiers: Orphanet 2149, Orphanet 82004, MedGen C1848213, MONDO:0010233, OMIM 300049.
Frontometaphyseal dysplasia (FMD1). Identifiers: Orphanet 1826, MedGen C0265293, MONDO:0015942.
Oto-palato-digital syndrome, type II (OPD2). Also called: Otopalatodigital Syndrome Type 2 (FLNA-OPD2); FACIOPALATOOSSEOUS SYNDROME; Otopalatodigital Syndrome, Type II; OPD II SYNDROME. Identifiers: Orphanet 669, Orphanet 90652, MedGen C1844696, MONDO:0010571, OMIM 304120.
Familial thoracic aortic aneurysm and aortic dissection (TAAD). Also called: Thoracic aortic aneurysms and dissections. Identifiers: Orphanet 91387, MedGen C4707243, MONDO:0019625.

Allele frequency attached by ClinVar (database versions not stated): gnomAD 0.00004; TOPMed 0.00006; gnomAD exomes 0.00008 and 0.00011; ESP Exome Variant Server 0.00010; ExAC 0.00015.
gnomAD v4.1: 121 of 1,206,336 alleles (0.01%); highest among the groups gnomAD compares: Middle Eastern, 0.069%; no homozygotes.

Submissions (7):

Labcorp Genetics (formerly Invitae), Labcorp
Classification: Benign for Oto-palato-digital syndrome, type II; Heterotopia, periventricular, X-linked dominant; Frontometaphyseal dysplasia; Melnick-Needles syndrome. Last evaluated: 2026-01-13. Review status: criteria provided, single submitter. Criteria: Invitae Variant Classification Sherloc (09022015). Collection method: clinical testing. Allele origin: germline.

Mayo Clinic Laboratories, Mayo Clinic
Classification: Likely benign. Last evaluated: 2025-04-29. Review status: criteria provided, single submitter. Criteria: ACMG Guidelines, 2015. Collection method: clinical testing. Allele origin: germline. Observed: 1 variant allele.
Comment: BS2, BP4, BP7

Blueprint Genetics
Classification: Likely benign. Last evaluated: 2024-08-02. Review status: criteria provided, single submitter. Criteria: ACMG Guidelines, 2015. Collection method: clinical testing. Allele origin: germline.

CeGaT Center for Human Genetics Tuebingen
Classification: Likely benign. Last evaluated: 2022-05-01. Review status: criteria provided, single submitter. Criteria: CeGaT Center For Human Genetics Tuebingen Variant Classification Criteria Version 2. Collection method: clinical testing. Allele origin: germline. Affected: yes. Observed: 1 variant allele.
Comment: FLNA: BP4, BS2

GeneDx
Classification: Likely benign. Last evaluated: 2020-09-16. Review status: criteria provided, single submitter. Criteria: GeneDx Variant Classification Process June 2021. Collection method: clinical testing. Allele origin: germline. Affected: yes.
Comment: This variant is associated with the following publications: (PMID: 30105468)

Ambry Genetics
Classification: Likely benign for Familial thoracic aortic aneurysm and aortic dissection. Last evaluated: 2019-04-15. Review status: criteria provided, single submitter. Criteria: Ambry Variant Classification Scheme 2023. Collection method: clinical testing. Allele origin: germline.

Eurofins Ntd Llc (ga)
Classification: Uncertain significance. Last evaluated: 2016-07-29. Review status: criteria provided, single submitter. Criteria: EGL Classification Definitions 2015. Collection method: clinical testing. Allele origin: germline. Observed: 1 variant allele, 1 heterozygote.

Literature cited by the submitters: PubMed 30105468 (cited by Mayo Clinic Laboratories, Mayo Clinic).